The following is an entry in ClinVar:

NM_000268.4(NF2):c.231G>T (p.Met77Ile)

Gene: NF2 (NF2, moesin-ezrin-radixin like (MERLIN) tumor suppressor; plus strand). Cytogenetic location: 22q12.2.
Variant type: single nucleotide variant.
Coding change: c.231G>T on transcript NM_000268.4 (MANE Select); coding-DNA position 231, G replaced by T.
Protein change: p.Met77Ile; replaces methionine 77 with isoleucine.
Molecular consequence: missense variant. On other transcripts: non-coding transcript variant (1), intron variant (3).
Genome position (GRCh38, 1-based): chr22:29,636,867, G>T. VCF-style: chr22-29636867-G-T. GRCh37 (hg19) VCF-style: chr22-30032856-G-T.
Other names: c.117G>T, p.Met39Ile (NM_001407053.1, NM_001407056.1); c.231G>T, p.Met77Ile (NM_001407054.1, NM_001407057.1, NM_001407058.1 and 9 more transcripts); c.-410G>T (NM_001407065.1); c.-26G>T (NM_001407067.1); c.115-2223G>T (NM_181828.3); c.115-5335G>T (NM_181830.3, NM_181831.3); short protein forms M77I, M39I.
Identifiers: ClinVar variation 1789562 (VCV001789562.6), dbSNP rs998713939, ClinGen allele CA411152674.
Genomic context (GRCh38, chr22:29,636,867, plus strand): 5'-AGAAACCTGGTTCTTTGGACTGCAGTACACAATCAAGGACACAGTGGCCTGGCTCAAAAT[G>T]GACAAGAAGGTTGGGCTAGAACTCGATGAAACTGGTGGGGCTGACGTGAGCTTTCCAGTT-3'
Protein context (NP_000259.1, residues 67-87): TIKDTVAWLK[Met77Ile]DKKVLDHDVS

ClinVar aggregate classification (germline): Uncertain significance. Review status: criteria provided, multiple submitters, no conflicts (2 of 4 stars). 2 submissions from 2 submitters: Uncertain significance (2). Last evaluated 2025-04-22.

Conditions:
Hereditary cancer-predisposing syndrome. Also called: Tumor predisposition; Neoplastic Syndromes, Hereditary; Hereditary Cancer Syndrome; Hereditary neoplastic syndrome. Identifiers: Orphanet 140162, MedGen C0027672, MeSH D009386, MONDO:0015356.
Neurofibromatosis, type 2 (SWNV). Also called: NF2-Related Schwannomatosis; SCHWANNOMATOSIS, VESTIBULAR; BILATERAL ACOUSTIC NEUROFIBROMATOSIS. Identifiers: Orphanet 637, MedGen C0027832, MONDO:0007039, OMIM 101000. Disease mechanism: loss of function.

Submissions (2):

Ambry Genetics
Classification: Uncertain significance for Hereditary cancer-predisposing syndrome. Last evaluated: 2025-04-22. Review status: criteria provided, single submitter. Criteria: Ambry Variant Classification Scheme 2023. Collection method: clinical testing. Allele origin: germline.
Comment: The p.M77I variant (also known as c.231G>T), located in coding exon 2 of the NF2 gene, results from a G to T substitution at nucleotide position 231. The methionine at codon 77 is replaced by isoleucine, an amino acid with highly similar properties. This amino acid position is highly conserved in available vertebrate species. In addition, the in silico prediction for this alteration is inconclusive. Based on the available evidence, the clinical significance of this variant remains unclear.

Labcorp Genetics (formerly Invitae), Labcorp
Classification: Uncertain significance for Neurofibromatosis, type 2. Last evaluated: 2023-10-04. Review status: criteria provided, single submitter. Criteria: Invitae Variant Classification Sherloc (09022015). Collection method: clinical testing. Allele origin: germline.
Comment: This sequence change replaces methionine, which is neutral and non-polar, with isoleucine, which is neutral and non-polar, at codon 77 of the NF2 protein (p.Met77Ile). This variant is not present in population databases (gnomAD no frequency). This variant has not been reported in the literature in individuals affected with NF2-related conditions. ClinVar contains an entry for this variant (Variation ID: 1789562). Advanced modeling of protein sequence and biophysical properties (such as structural, functional, and spatial information, amino acid conservation, physicochemical variation, residue mobility, and thermodynamic stability) performed at Invitae indicates that this missense variant is not expected to disrupt NF2 protein function. In summary, the available evidence is currently insufficient to determine the role of this variant in disease. Therefore, it has been classified as a Variant of Uncertain Significance.